The following is an entry in ClinVar:

NM_001283009.2(RTEL1):c.2646C>G (p.Ser882Arg)

Genes: RTEL1 (regulator of telomere elongation helicase 1; plus strand), RTEL1-TNFRSF6B (RTEL1-TNFRSF6B readthrough (NMD candidate); plus strand). Cytogenetic location: 20q13.33.
Variant type: single nucleotide variant.
Coding change: c.2646C>G on transcript NM_001283009.2 (MANE Select); coding-DNA position 2646, C replaced by G.
Protein change: p.Ser882Arg; replaces serine 882 with arginine.
Molecular consequence: missense variant. On other transcripts: non-coding transcript variant (1).
Genome position (GRCh38, 1-based): chr20:63,691,831, C>G. VCF-style: chr20-63691831-C-G. GRCh37 (hg19) VCF-style: chr20-62323184-C-G.
Other names: c.1977C>G, p.Ser659Arg (NM_001283010.1); c.2646C>G, p.Ser882Arg (NM_016434.4); c.2718C>G, p.Ser906Arg (NM_032957.5); short protein forms S659R, S882R, S906R.
Identifiers: ClinVar variation 3762140 (VCV003762140.2).

ClinVar aggregate classification (germline): Uncertain significance (1 of 4 stars; one submission).

Conditions:
Dyskeratosis congenita, autosomal recessive 5 (DKCB5). Identifiers: MedGen C3554656, MONDO:0014076, OMIM 615190.
Pulmonary fibrosis and/or bone marrow failure, Telomere-related, 3. Also called: PULMONARY FIBROSIS AND/OR BONE MARROW FAILURE SYNDROME, TELOMERE-RELATED, 3. Identifiers: Orphanet 2032, MedGen C4225346, MONDO:0014613, OMIM 616373.

Submission:

Labcorp Genetics (formerly Invitae), Labcorp
Classification: Uncertain significance for Dyskeratosis congenita, autosomal recessive 5; Pulmonary fibrosis and/or bone marrow failure, Telomere-related, 3. Last evaluated: 2025-01-22. Review status: criteria provided, single submitter. Criteria: Invitae Variant Classification Sherloc (09022015). Collection method: clinical testing. Allele origin: germline.
Comment: This sequence change replaces serine, which is neutral and polar, with arginine, which is basic and polar, at codon 882 of the RTEL1 protein (p.Ser882Arg). This variant is not present in population databases (gnomAD no frequency). This variant has not been reported in the literature in individuals affected with RTEL1-related conditions. An algorithm developed to predict the effect of missense changes on protein structure and function outputs the following: PolyPhen-2: "Benign". The arginine amino acid residue is found in multiple mammalian species, which suggests that this missense change does not adversely affect protein function. In summary, the available evidence is currently insufficient to determine the role of this variant in disease. Therefore, it has been classified as a Variant of Uncertain Significance.